The following is an entry in ClinVar:

ClinVar aggregate classification (germline): Conflicting classifications of pathogenicity. Review status: criteria provided, conflicting classifications (1 of 4 stars). 3 submissions from 3 submitters: Uncertain significance (1); Likely benign (1). 1 of the submissions does not count toward it. Last evaluated 2025-02-16.

Conditions:
ATP11A-related disorder. Also called: ATP11A-related condition.
Inborn genetic diseases. Identifiers: MedGen C0950123, MeSH D030342.

Allele frequency attached by ClinVar (database versions not stated): ExAC 0.00040; 1000 Genomes Project 0.00100; ESP Exome Variant Server 0.00108; 1000 Genomes Project 30x 0.00109; gnomAD 0.00119; TOPMed 0.00134.
gnomAD v4.1: 324 of 1,367,750 alleles (0.024%); highest among the groups gnomAD compares: African/African-American, 0.41%; 1 homozygote.

Submissions (3):

Laboratory of Genetics, Children's Clinical University Hospital Latvia
Classification: Likely benign. Last evaluated: 2025-02-16. Review status: criteria provided, single submitter. Criteria: ACMG Guidelines, 2015. Collection method: clinical testing. Allele origin: germline. Affected: yes.

Ambry Genetics
Classification: Uncertain significance for Inborn genetic diseases. Last evaluated: 2024-08-05. Review status: criteria provided, single submitter. Criteria: Ambry Variant Classification Scheme 2023. Collection method: clinical testing. Allele origin: germline.

PreventionGenetics, part of Exact Sciences
Classification: Likely benign for ATP11A-related condition. Last evaluated: 2024-03-18. Review status: no assertion criteria provided. Collection method: clinical testing. Allele origin: germline. Not counted in ClinVar's aggregate classification.
Comment: This variant is classified as likely benign based on ACMG/AMP sequence variant interpretation guidelines (Richards et al. 2015 PMID: 25741868, with internal and published modifications).

NM_015205.3(ATP11A):c.*80C>T

Gene: ATP11A (ATPase phospholipid transporting 11A; plus strand). Cytogenetic location: 13q34.
Variant type: single nucleotide variant.
Coding change: c.*80C>T on transcript NM_015205.3 (MANE Select); 80 bases downstream of the stop codon, C replaced by T.
Molecular consequence: 3 prime UTR variant. On other transcripts: missense variant (3).
Genome position (GRCh38, 1-based): chr13:112,881,946, C>T. VCF-style: chr13-112881946-C-T. GRCh37 (hg19) VCF-style: chr13-113536260-C-T.
Other names: c.3461C>T, p.Ala1154Val (NM_001405661.1); c.3398C>T, p.Ala1133Val (NM_001405662.1); c.*82C>T (NM_001405663.1); c.3458C>T, p.Ala1153Val (NM_032189.4); short protein forms A1133V, A1153V, A1154V.
Identifiers: ClinVar variation 3045327 (VCV003045327.4), dbSNP rs142877948, ClinGen allele CA7057666.